The following is an entry in ClinVar:

NM_206933.4(USH2A):c.879T>G (p.Leu293=)

Gene: USH2A (usherin; minus strand). Cytogenetic location: 1q41.
Variant type: single nucleotide variant.
Coding change: c.879T>G on transcript NM_206933.4 (MANE Select); coding-DNA position 879, T replaced by G.
Protein change: p.Leu293=; no amino-acid change (leucine 293 retained).
Molecular consequence: synonymous variant.
Genome position (GRCh38, 1-based): chr1:216,325,569, A>C on the plus strand (T>G on the coding strand, the complement: USH2A is on the minus strand). VCF-style: chr1-216325569-A-C. GRCh37 (hg19) VCF-style: chr1-216498911-A-C.
Other names: c.879T>G, p.Leu293= (NM_007123.6).
Identifiers: ClinVar variation 48609 (VCV000048609.23), dbSNP rs3767698, ClinGen allele CA143640.

ClinVar aggregate classification (germline): Conflicting classifications of pathogenicity. Review status: criteria provided, conflicting classifications (1 of 4 stars). 7 submissions from 6 submitters: Uncertain significance (2); Benign (4). 1 of the submissions does not count toward it. Last evaluated 2026-02-02.

Conditions:
Retinal dystrophy. Also called: Inherited retinal dystrophy. Identifiers: Orphanet 71862, MedGen C0854723, MeSH D058499, MONDO:0019118, HP:0000556.
Retinitis pigmentosa (RP). Identifiers: Orphanet 791, MedGen C0035334, MeSH D012174, MONDO:0019200, OMIM 268000. Inheritance: Autosomal dominant, autosomal recessive and X linked inheritance.
Usher syndrome type 2A. Also called: RETINAL DISEASE IN USHER SYNDROME TYPE IIA, MODIFIER OF; USHER SYNDROME, TYPE IIA. Identifiers: Orphanet 231178, Orphanet 886, MedGen C1848634, MONDO:0010169, OMIM 276901.

Allele frequency attached by ClinVar (database versions not stated): gnomAD 0.00201 and 0.00283; gnomAD exomes 0.00231 and 0.00555; TOPMed 0.00340; ExAC 0.00496; 1000 Genomes Project 30x 0.00937; 1000 Genomes Project 0.01078.
gnomAD v4.1: 3,826 of 1,613,342 alleles (0.24%); highest among the groups gnomAD compares: East Asian, 6.7%; 121 homozygotes.

Submissions (7):

Labcorp Genetics (formerly Invitae), Labcorp
Classification: Benign. Last evaluated: 2026-02-02. Review status: criteria provided, single submitter. Criteria: Invitae Variant Classification Sherloc (09022015). Collection method: clinical testing. Allele origin: germline.

Dept Of Ophthalmology, Nagoya University
Classification: Benign for Retinal dystrophy. Last evaluated: 2023-10-01. Review status: criteria provided, single submitter. Criteria: Submitter's publication. Collection method: research. Allele origin: germline. Affected: yes.

Illumina Laboratory Services, Illumina
Classification: Uncertain significance for Usher syndrome type 2A. Last evaluated: 2017-04-27. Review status: criteria provided, single submitter. Criteria: ICSL Variant Classification Criteria 13 December 2019. Collection method: clinical testing. Allele origin: germline.
Comment: This variant was observed as part of a predisposition screen in an ostensibly healthy population. A literature search was performed for the gene, cDNA change, and amino acid change (where applicable). Publications were found based on this search. However, the evidence from the literature, in combination with allele frequency data from public databases where available, was not sufficient to rule this variant in or out of causing disease. Therefore, this variant is classified as a variant of unknown significance.

Illumina Laboratory Services, Illumina
Classification: Uncertain significance for Retinitis pigmentosa. Last evaluated: 2017-04-27. Review status: criteria provided, single submitter. Criteria: ICSL Variant Classification Criteria 13 December 2019. Collection method: clinical testing. Allele origin: germline.

GeneDx
Classification: Benign. Last evaluated: 2015-03-03. Review status: criteria provided, single submitter. Criteria: GeneDx Variant Classification Process June 2021. Collection method: clinical testing. Allele origin: germline. Affected: yes.

Laboratory for Molecular Medicine, Mass General Brigham Personalized Medicine
Classification: Benign. Last evaluated: 2010-09-23. Review status: criteria provided, single submitter. Criteria: LMM Criteria. Collection method: clinical testing. Allele origin: germline. Observed: 17 variant alleles.

Natera, Inc.
Classification: Benign for Usher syndrome type 2A. Last evaluated: 2020-09-16. Review status: no assertion criteria provided. Collection method: clinical testing. Allele origin: germline. Not counted in ClinVar's aggregate classification.

Literature cited by the submitters: PubMed 19023448 (cited by Illumina Laboratory Services, Illumina and Laboratory for Molecular Medicine, Mass General Brigham Personalized Medicine); PubMed 19737284 (cited by Laboratory for Molecular Medicine, Mass General Brigham Personalized Medicine).